The following is an entry in ClinVar:

NM_000260.4(MYO7A):c.3569G>A (p.Arg1190Gln)

Gene: MYO7A (myosin VIIA; plus strand). Cytogenetic location: 11q13.5.
Variant type: single nucleotide variant.
Coding change: c.3569G>A on transcript NM_000260.4 (MANE Select); coding-DNA position 3569, G replaced by A.
Protein change: p.Arg1190Gln; replaces arginine 1190 with glutamine.
Molecular consequence: missense variant.
Genome position (GRCh38, 1-based): chr11:77,189,409, G>A. VCF-style: chr11-77189409-G-A. GRCh37 (hg19) VCF-style: chr11-76900454-G-A.
Other names: c.3569G>A (NM_000260.3); c.3569G>A, p.Arg1190Gln (NM_001127180.2); c.3536G>A, p.Arg1179Gln (NM_001369365.1); short protein forms R1179Q, R1190Q.
Identifiers: ClinVar variation 1449283 (VCV001449283.9), dbSNP rs200870793, ClinGen allele CA6198118.
Genomic context (GRCh38, chr11:77,189,409, plus strand): 5'-AGATCTACTGCCAGATCAGCAAGCAGCTGACCCACAACCCCTCCAAGAGCAGCTATGCCC[G>A]GGGCTGGATTCTCGTGTCTCTCTGCGTGGGCTGTTTCGCCCCCTCCGAGAAGTTTGTCAA-3'
Protein context (NP_000251.3, residues 1180-1200): THNPSKSSYA[Arg1190Gln]GWILVSLCVG

ClinVar aggregate classification (germline): Uncertain significance. Review status: criteria provided, multiple submitters, no conflicts (2 of 4 stars). 5 submissions from 5 submitters: Uncertain significance (5). Last evaluated 2026-02-13.

Conditions:
Inborn genetic diseases. Identifiers: MedGen C0950123, MeSH D030342.
MYO7A-related disorder. Also called: MYO7A-related disorders.

Allele frequency attached by ClinVar (database versions not stated): TOPMed 0.00002; gnomAD 0.00003; gnomAD exomes 0.00005 and 0.00006; ExAC 0.00007; ESP Exome Variant Server 0.00008.
gnomAD v4.1: 89 of 1,613,738 alleles (0.0055%); highest among the groups gnomAD compares: Non-Finnish European, 0.0066%; no homozygotes.

Submissions (5):

PreventionGenetics, part of Exact Sciences
Classification: Uncertain significance for MYO7A-related condition. Last evaluated: 2026-02-13. Review status: criteria provided, single submitter. Criteria: ACMG Guidelines, 2015. Collection method: clinical testing. Allele origin: germline.
Comment: The MYO7A c.3569G>A variant is predicted to result in the amino acid substitution p.Arg1190Gln. To our knowledge, this variant has not been reported in the literature. This variant is reported in 0.0071% of alleles in individuals of European (Non-Finnish) descent in gnomAD. At this time, the clinical significance of this variant is uncertain due to the absence of conclusive functional and genetic evidence.

Labcorp Genetics (formerly Invitae), Labcorp
Classification: Uncertain significance. Last evaluated: 2024-12-17. Review status: criteria provided, single submitter. Criteria: Invitae Variant Classification Sherloc (09022015). Collection method: clinical testing. Allele origin: germline.
Comment: This sequence change replaces arginine, which is basic and polar, with glutamine, which is neutral and polar, at codon 1190 of the MYO7A protein (p.Arg1190Gln). This variant is present in population databases (rs200870793, gnomAD 0.006%). This variant has not been reported in the literature in individuals affected with MYO7A-related conditions. ClinVar contains an entry for this variant (Variation ID: 1449283). Invitae Evidence Modeling of protein sequence and biophysical properties (such as structural, functional, and spatial information, amino acid conservation, physicochemical variation, residue mobility, and thermodynamic stability) indicates that this missense variant is expected to disrupt MYO7A protein function with a positive predictive value of 95%. In summary, the available evidence is currently insufficient to determine the role of this variant in disease. Therefore, it has been classified as a Variant of Uncertain Significance.

Ambry Genetics
Classification: Uncertain significance for Inborn genetic diseases. Last evaluated: 2024-11-25. Review status: criteria provided, single submitter. Criteria: Ambry Variant Classification Scheme 2023. Collection method: clinical testing. Allele origin: germline.

Blueprint Genetics
Classification: Uncertain significance. Last evaluated: 2024-11-14. Review status: criteria provided, single submitter. Criteria: ACMG Guidelines, 2015. Collection method: clinical testing. Allele origin: germline.

GeneDx
Classification: Uncertain significance. Last evaluated: 2024-06-17. Review status: criteria provided, single submitter. Criteria: GeneDx Variant Classification Process June 2021. Collection method: clinical testing. Allele origin: germline. Affected: yes.
Comment: In silico analysis supports that this missense variant has a deleterious effect on protein structure/function; Has not been previously published as pathogenic or benign to our knowledge